The following is an entry in ClinVar:

ClinVar aggregate classification (germline): Pathogenic. Review status: criteria provided, multiple submitters, no conflicts (2 of 4 stars). 2 submissions from 2 submitters: Pathogenic (2). Last evaluated 2026-04-28.

Conditions:
Hereditary cancer-predisposing syndrome. Also called: Tumor predisposition; Hereditary neoplastic syndrome; Neoplastic Syndromes, Hereditary; Hereditary Cancer Syndrome. Identifiers: Orphanet 140162, MedGen C0027672, MeSH D009386, MONDO:0015356.
Familial cancer of breast. Also called: hereditary breast carcinoma; Hereditary breast cancer; BREAST CANCER, FAMILIAL. Identifiers: Orphanet 227535, MedGen C0346153, MONDO:0016419, OMIM 114480. Disease mechanism: loss of function.

Submissions (2):

Ambry Genetics
Classification: Pathogenic for Hereditary cancer-predisposing syndrome. Last evaluated: 2026-04-28. Review status: criteria provided, single submitter. Criteria: Ambry Variant Classification Scheme 2023. Collection method: clinical testing. Allele origin: germline.
Comment: The c.1450_1453dupTTAA pathogenic mutation, located in coding exon 4 of the PALB2 gene, results from a duplication of TTAA at nucleotide position 1450, causing a translational frameshift with a predicted alternate stop codon (p.T485Ifs*3). This variant is considered to be rare based on population cohorts in the Genome Aggregation Database (gnomAD). This alteration is expected to result in loss of function by premature protein truncation or nonsense-mediated mRNA decay. As such, this alteration is interpreted as a disease-causing mutation.

Labcorp Genetics (formerly Invitae), Labcorp
Classification: Pathogenic for Familial cancer of breast. Last evaluated: 2023-07-28. Review status: criteria provided, single submitter. Criteria: Invitae Variant Classification Sherloc (09022015). Collection method: clinical testing. Allele origin: germline.
Comment: For these reasons, this variant has been classified as Pathogenic. This variant has not been reported in the literature in individuals affected with PALB2-related conditions. This variant is not present in population databases (gnomAD no frequency). This sequence change creates a premature translational stop signal (p.Thr485Ilefs*3) in the PALB2 gene. It is expected to result in an absent or disrupted protein product. Loss-of-function variants in PALB2 are known to be pathogenic (PMID: 17200668, 17200671, 17200672, 24136930, 25099575).

Literature cited by the submitters: PubMed 17200668 (cited by Labcorp Genetics (formerly Invitae), Labcorp); PubMed 17200671 (cited by Labcorp Genetics (formerly Invitae), Labcorp); PubMed 17200672 (cited by Labcorp Genetics (formerly Invitae), Labcorp); PubMed 24136930 (cited by Labcorp Genetics (formerly Invitae), Labcorp); PubMed 25099575 (cited by Labcorp Genetics (formerly Invitae), Labcorp).

NM_024675.4(PALB2):c.1450_1453dup (p.Thr485fs)

Gene: PALB2 (partner and localizer of BRCA2; minus strand). Cytogenetic location: 16p12.2.
Variant type: Duplication.
Coding change: c.1450_1453dup on transcript NM_024675.4 (MANE Select); coding-DNA positions 1450 to 1453, 4 bases duplicated (TTAA; older notation c.1450_1453dupTTAA).
Protein change: p.Thr485fs; shifts the reading frame from threonine 485.
Molecular consequence: frameshift variant. On other transcripts: intron variant (3).
Genome position (GRCh38, 1-based): chr16:23,635,093-23,635,096, TTAA duplicated on the plus strand (TTAA on the coding strand, the reverse complement: PALB2 is on the minus strand); duplicating any 4 consecutive bases within chr16:23,635,093-23,635,097 gives the same sequence; the c. name uses the placement nearest the transcript's 3' end. VCF-style (leftmost placement, unchanged base first): chr16-23635092-G-GTTAA. GRCh37 (hg19) VCF-style: chr16-23646413-G-GTTAA.
Other names: c.1390_1393dup, p.Thr465fs (NM_001407296.1); c.1450_1453dup, p.Thr485fs (NM_001407297.1, NM_001407298.1, NM_001407299.1 and 3 more transcripts); c.565_568dup, p.Thr190fs (NM_001407304.1, NM_001407305.1, NM_001407306.1 and 5 more transcripts); c.49-5821_49-5818dup (NM_001407314.1); c.-104-4627_-104-4624dup (NM_001407313.1, NM_001407312.1); c.1450_1453dupTTAA (NM_024675.3); short protein forms T465fs, T190fs, T485fs.
Identifiers: ClinVar variation 2747647 (VCV002747647.4), dbSNP rs2506477052, ClinGen allele CA2697555727.